The following is an entry in ClinVar:

NM_003573.2(LTBP4):c.286C>T (p.Arg96Trp)

Gene: LTBP4 (latent transforming growth factor beta binding protein 4; plus strand). Cytogenetic location: 19q13.2.
Variant type: single nucleotide variant.
Coding change: c.286C>T on transcript NM_003573.2; coding-DNA position 286, C replaced by T.
Protein change: p.Arg96Trp; replaces arginine 96 with tryptophan.
Molecular consequence: missense variant.
Genome position (GRCh38, 1-based): chr19:40,600,123, C>T. VCF-style: chr19-40600123-C-T. GRCh37 (hg19) VCF-style: chr19-41106029-C-T.
Other names: c.397C>T, p.Arg133Trp (NM_001042544.1); short protein forms R133W, R96W.
Identifiers: ClinVar variation 1477448 (VCV001477448.6), dbSNP rs917102652, ClinGen allele CA405930240.

ClinVar aggregate classification (germline): Uncertain significance (1 of 4 stars; one submission).

Submission:

Labcorp Genetics (formerly Invitae), Labcorp
Classification: Uncertain significance. Last evaluated: 2021-08-30. Review status: criteria provided, single submitter. Criteria: Invitae Variant Classification Sherloc (09022015). Collection method: clinical testing. Allele origin: germline.
Comment: This variant has not been reported in the literature in individuals affected with LTBP4-related conditions. Experimental studies and prediction algorithms are not available or were not evaluated, and the functional significance of this variant is currently unknown. In summary, the available evidence is currently insufficient to determine the role of this variant in disease. Therefore, it has been classified as a Variant of Uncertain Significance. The frequency data for this variant in the population databases is considered unreliable, as metrics indicate insufficient coverage at this position in the ExAC database. This sequence change replaces arginine with tryptophan at codon 96 of the LTBP4 protein (p.Arg96Trp). The arginine residue is moderately conserved and there is a moderate physicochemical difference between arginine and tryptophan.